The following is an entry in ClinVar:

ClinVar aggregate classification (germline): Pathogenic/Likely pathogenic. Review status: criteria provided, multiple submitters, no conflicts (2 of 4 stars). 3 submissions from 3 submitters: Pathogenic (1); Likely pathogenic (2). Last evaluated 2025-07-17.

Conditions:
Familial thoracic aortic aneurysm and aortic dissection (TAAD). Also called: Thoracic aortic aneurysms and dissections. Identifiers: Orphanet 91387, MedGen C4707243, MONDO:0019625.

Submissions (3):

Ambry Genetics
Classification: Likely pathogenic for Familial thoracic aortic aneurysm and aortic dissection. Last evaluated: 2025-07-17. Review status: criteria provided, single submitter. Criteria: Ambry Variant Classification Scheme 2023. Collection method: clinical testing. Allele origin: germline.
Comment: The p.C1425Y variant (also known as c.4274G>A), located in coding exon 33 of the FBN2 gene, results from a G to A substitution at nucleotide position 4274. The cysteine at codon 1425 is replaced by tyrosine, an amino acid with highly dissimilar properties. In one study, 13 of 14 reportedFBN2mutations were located in the middle region of the gene (exons24-36), and 7of these mutations were noted to alter or produce a cysteine residue (CallewaertBL et al.HumMutat. 2009;30(3):334-341). This variant was reported in individual(s) with features consistent with congenital contractural arachnodactyly; in at least one individual, it was determined to be de novo (Chen Y et al. Genet Test Mol Biomarkers, 2009 Jun;13:295-300). This variant is considered to be rare based on population cohorts in the Genome Aggregation Database (gnomAD). This amino acid position is highly conserved in available vertebrate species. In addition, this alteration is predicted to be deleterious by in silico analysis. Based on the majority of available evidence to date, this variant is likely to be pathogenic.

CeGaT Center for Human Genetics Tuebingen
Classification: Pathogenic. Last evaluated: 2024-10-01. Review status: criteria provided, single submitter. Criteria: CeGaT Center For Human Genetics Tuebingen Variant Classification Criteria Version 2. Collection method: clinical testing. Allele origin: germline. Affected: yes. Observed: 1 variant allele.
Comment: FBN2: PM1:Strong, PS2, PM2, PM5, PS4:Supporting

GeneDx
Classification: Likely pathogenic. Last evaluated: 2023-04-28. Review status: criteria provided, single submitter. Criteria: GeneDx Variant Classification Process June 2021. Collection method: clinical testing. Allele origin: germline. Affected: yes.
Comment: Not observed at significant frequency in large population cohorts (gnomAD); In silico analysis supports that this missense variant has a deleterious effect on protein structure/function; This variant is associated with the following publications: (PMID: 19006240, 18767143, 27393415, 19473076)

Literature cited by the submitters: PubMed 19473076 (cited by Ambry Genetics).

NM_001999.4(FBN2):c.4274G>A (p.Cys1425Tyr)

Gene: FBN2 (fibrillin 2; minus strand). Cytogenetic location: 5q23.3.
Variant type: single nucleotide variant.
Coding change: c.4274G>A on transcript NM_001999.4 (MANE Select); coding-DNA position 4274, G replaced by A.
Protein change: p.Cys1425Tyr; replaces cysteine 1425 with tyrosine.
Molecular consequence: missense variant.
Genome position (GRCh38, 1-based): chr5:128,330,644, C>T on the plus strand (G>A on the coding strand, the complement: FBN2 is on the minus strand). VCF-style: chr5-128330644-C-T. GRCh37 (hg19) VCF-style: chr5-127666336-C-T.
Other names: short protein forms C1425Y.
Identifiers: ClinVar variation 2662863 (VCV002662863.16), dbSNP rs2479786545, ClinGen allele CA360754085.
Genomic context (GRCh38, chr5:128,330,644, plus strand): 5'-AAGCCATCACCAGTGAAACCTTCGGAGCAGGCACAGCGGTATGAGCCCGGGGTATTTACA[C>T]ACTGAGCATTGATGCTACACTGGTGGGTTCCATTAGAACATTCGTCCAGATCTGCAGAAC-3'
Protein context (NP_001990.2, residues 1415-1435): GTHQCSINAQ[Cys1425Tyr]VNTPGSYRCA